The following is an entry in ClinVar:

NM_001142800.2(EYS):c.1272G>T (p.Trp424Cys)

Gene: EYS (EGF-like photoreceptor maintenance factor; minus strand). Cytogenetic location: 6q12.
Variant type: single nucleotide variant.
Coding change: c.1272G>T on transcript NM_001142800.2 (MANE Select); coding-DNA position 1272, G replaced by T.
Protein change: p.Trp424Cys; replaces tryptophan 424 with cysteine.
Molecular consequence: missense variant.
Genome position (GRCh38, 1-based): chr6:65,384,413, C>A on the plus strand (G>T on the coding strand, the complement: EYS is on the minus strand). VCF-style: chr6-65384413-C-A. GRCh37 (hg19) VCF-style: chr6-66094306-C-A.
Other names: c.1272G>T, p.Trp424Cys (NM_001142801.2, NM_001292009.2, NM_198283.2); short protein forms W424C.
Identifiers: ClinVar variation 1395758 (VCV001395758.8), dbSNP rs1488525582, ClinGen allele CA364662034.

ClinVar aggregate classification (germline): Uncertain significance (1 of 4 stars; one submission).

Allele frequency attached by ClinVar (database versions not stated): gnomAD 0.00001.
gnomAD v4.1: 1 of 1,606,354 alleles (0.000062%); highest among the groups gnomAD compares: African/African-American, 0.0013%; no homozygotes.

Submission:

Labcorp Genetics (formerly Invitae), Labcorp
Classification: Uncertain significance. Last evaluated: 2021-05-17. Review status: criteria provided, single submitter. Criteria: Invitae Variant Classification Sherloc (09022015). Collection method: clinical testing. Allele origin: germline.
Comment: This variant has not been reported in the literature in individuals with EYS-related conditions. Algorithms developed to predict the effect of missense changes on protein structure and function are either unavailable or do not agree on the potential impact of this missense change (SIFT: "Deleterious"; PolyPhen-2: "Benign"; Align-GVGD: "Class C25"). In summary, the available evidence is currently insufficient to determine the role of this variant in disease. Therefore, it has been classified as a Variant of Uncertain Significance. This sequence change replaces tryptophan with cysteine at codon 424 of the EYS protein (p.Trp424Cys). The tryptophan residue is moderately conserved and there is a large physicochemical difference between tryptophan and cysteine. This variant is not present in population databases (ExAC no frequency).